The following is an entry in ClinVar:

ClinVar aggregate classification (germline): Likely pathogenic (1 of 4 stars; one submission).

Conditions:
Autosomal recessive polycystic kidney disease (ARPKD). Also called: AR polycystic kidney disease. Identifiers: Orphanet 731, Orphanet 8378, MedGen C0085548, MeSH D017044, MONDO:0009889.

Submission:

Natera, Inc.
Classification: Likely pathogenic for Autosomal recessive polycystic kidney disease. Last evaluated: 2024-11-06. Review status: criteria provided, single submitter. Criteria: Natera Variant Classification Schema (03/2026). Collection method: clinical testing. Allele origin: germline.
Comment: The c.11223delT variant in PKHD1 is a frameshift variant predicted to shift the reading frame and introduce a stop codon. This variant is expected to result in nonsense mediated decay, truncation, or a dysfunctional protein product. This variant is rare in the general population with a frequency below the threshold expected for the associated phenotype(s). Given the available evidence, this variant is classified as Likely Pathogenic.

NM_138694.4(PKHD1):c.11223del (p.Pro3740_Tyr3741insTer)

Gene: PKHD1 (PKHD1 ciliary IPT domain containing fibrocystin/polyductin; minus strand). Cytogenetic location: 6p12.3.
Variant type: Deletion.
Coding change: c.11223del on transcript NM_138694.4 (MANE Select); coding-DNA position 11223, one base deleted (T; older notation c.11223delT).
Protein change: p.Pro3740_Tyr3741insTer.
Molecular consequence: nonsense.
Genome position (GRCh38, 1-based): chr6:51,649,172, A deleted on the plus strand (T on the coding strand, the reverse complement: PKHD1 is on the minus strand). VCF-style (leftmost placement, unchanged base first): chr6-51649171-CA-C. GRCh37 (hg19) VCF-style: chr6-51513969-CA-C.
Identifiers: ClinVar variation 4816546 (VCV004816546.1).